The following is an entry in ClinVar:

NM_003052.5(SLC34A1):c.209G>A (p.Arg70His)

Gene: SLC34A1 (solute carrier family 34 member 1; plus strand). Cytogenetic location: 5q35.3.
Variant type: single nucleotide variant.
Coding change: c.209G>A on transcript NM_003052.5 (MANE Select); coding-DNA position 209, G replaced by A.
Protein change: p.Arg70His; replaces arginine 70 with histidine.
Molecular consequence: missense variant.
Genome position (GRCh38, 1-based): chr5:177,386,086, G>A. VCF-style: chr5-177386086-G-A. GRCh37 (hg19) VCF-style: chr5-176813087-G-A.
Other names: c.209G>A, p.Arg70His (NM_001167579.2); short protein forms R70H.
Identifiers: ClinVar variation 3444005 (VCV003444005.3).
Genomic context (GRCh38, chr5:177,386,086, plus strand): 5'-CCAGCCTGGGCCCTGTGGCCCTTGCTGAGCACACCTGCCCCTGTGGGGAGGTCCTGGAGC[G>A]CCATGAACCACTGCCTGCCAAGCTGGCCCTGGAGGAGGAGCAGAAGCCAGGTGGGCCTGG-3'
Protein context (NP_003043.3, residues 60-80): HTCPCGEVLE[Arg70His]HEPLPAKLAL

ClinVar aggregate classification (germline): Uncertain significance. Review status: criteria provided, multiple submitters, no conflicts (2 of 4 stars). 3 submissions from 3 submitters: Uncertain significance (3). Last evaluated 2025-12-01.

Conditions:
Fanconi renotubular syndrome 2 (FRTS2). Identifiers: MedGen C3150652, MONDO:0013247, OMIM 613388.
Hypophosphatemic nephrolithiasis/osteoporosis 1. Identifiers: Orphanet 244305, MedGen C2676786, MONDO:0012850, OMIM 612286.
Hypercalcemia, infantile, 2 (HCINF2). Identifiers: Orphanet 300547, MedGen C4310473, MONDO:0014851, OMIM 616963.
Inborn genetic diseases. Identifiers: MedGen C0950123, MeSH D030342.

gnomAD v4.1: 46 of 1,612,802 alleles (0.0029%); highest among the groups gnomAD compares: South Asian, 0.031%; 2 homozygotes.

Submissions (3):

Labcorp Genetics (formerly Invitae), Labcorp
Classification: Uncertain significance. Last evaluated: 2025-12-01. Review status: criteria provided, single submitter. Criteria: Invitae Variant Classification Sherloc (09022015). Collection method: clinical testing. Allele origin: germline.
Comment: This sequence change replaces arginine, which is basic and polar, with histidine, which is basic and polar, at codon 70 of the SLC34A1 protein (p.Arg70His). This variant is present in population databases (rs756418583, gnomAD 0.007%). This variant has not been reported in the literature in individuals affected with SLC34A1-related conditions. ClinVar contains an entry for this variant (Variation ID: 3444005). An algorithm developed to predict the effect of missense changes on protein structure and function outputs the following: PolyPhen-2: "Benign". The histidine amino acid residue is found in multiple mammalian species, which suggests that this missense change does not adversely affect protein function. In summary, the available evidence is currently insufficient to determine the role of this variant in disease. Therefore, it has been classified as a Variant of Uncertain Significance.

Ambry Genetics
Classification: Uncertain significance for Inborn genetic diseases. Last evaluated: 2024-07-31. Review status: criteria provided, single submitter. Criteria: Ambry Variant Classification Scheme 2023. Collection method: clinical testing. Allele origin: germline.

Fulgent Genetics
Classification: Uncertain significance for Hypophosphatemic nephrolithiasis/osteoporosis 1; Fanconi renotubular syndrome 2; Hypercalcemia, infantile, 2. Last evaluated: 2024-01-28. Review status: criteria provided, single submitter. Criteria: ACMG Guidelines, 2015. Collection method: clinical testing. Allele origin: germline.